The following is an entry in ClinVar:

ClinVar aggregate classification (germline): Pathogenic (1 of 4 stars; one submission).

Submission:

GeneDx
Classification: Pathogenic. Last evaluated: 2025-05-23. Review status: criteria provided, single submitter. Criteria: GeneDx Variant Classification Process June 2021. Collection method: clinical testing. Allele origin: germline. Affected: yes.
Comment: Frameshift variant predicted to result in protein truncation or nonsense mediated decay in a gene for which loss of function is a known mechanism of disease; Not observed at significant frequency in large population cohorts (gnomAD); Has not been previously published as pathogenic or benign to our knowledge

NM_001321120.2(TBX4):c.636del (p.Ala213fs)

Gene: TBX4 (T-box transcription factor 4; plus strand). Cytogenetic location: 17q23.2.
Variant type: Deletion.
Coding change: c.636del on transcript NM_001321120.2 (MANE Select); coding-DNA position 636, one base deleted (T; older notation c.636delT).
Protein change: p.Ala213fs; shifts the reading frame from alanine 213.
Molecular consequence: frameshift variant.
Genome position (GRCh38, 1-based): chr17:61,478,713, T deleted. VCF-style (leftmost placement, unchanged base first): chr17-61478712-CT-C. GRCh37 (hg19) VCF-style: chr17-59556073-CT-C.
Other names: c.636del, p.Ala213fs (NM_018488.3); c.636delT (NM_018488.2); c.636del (NM_018488.2); short protein forms A213fs.
Identifiers: ClinVar variation 817874 (VCV000817874.3), dbSNP rs1603254792, ClinGen allele CA915950656.
Genomic context (GRCh38, chr17:61,478,712, plus strand): 5'-ACCAGCCGCGGCTCCACATCGTTAAGGCTGATGAGAACAATGCTTTCGGCTCCAAAAACA[CT>C]GCTTTCTGCACCCACGTGTTCCCAGAGACCTCCTTCATCTCTGTGACCTCCTACCAGAAT-3'